The following is an entry in ClinVar:

ClinVar aggregate classification (germline): Likely pathogenic (1 of 4 stars; one submission).

Conditions:
Hereditary cancer-predisposing syndrome. Also called: Hereditary Cancer Syndrome; Hereditary neoplastic syndrome; Tumor predisposition; Neoplastic Syndromes, Hereditary. Identifiers: Orphanet 140162, MedGen C0027672, MeSH D009386, MONDO:0015356.
Cardiovascular phenotype. Identifiers: MedGen CN230736.

Allele frequency attached by ClinVar (database versions not stated): gnomAD exomes 0.00001.
gnomAD v4.1: 8 of 1,613,666 alleles (0.0005%); highest among the groups gnomAD compares: African/African-American, 0.0013%; no homozygotes.

Submission:

Ambry Genetics
Classification: Likely pathogenic for Cardiovascular phenotype; Hereditary cancer-predisposing syndrome. Last evaluated: 2025-07-03. Review status: criteria provided, single submitter. Criteria: Ambry Variant Classification Scheme 2023. Collection method: clinical testing. Allele origin: germline.
Comment: The c.2405A>G variant (also known as p.K802R), located in coding exon 20 of the LZTR1 gene, results from an A to G substitution at nucleotide position 2405. The lysine at codon 802 is replaced by arginine, an amino acid with highly similar properties. In silico splice site analysis predicts that this alteration may weaken the native splice donor site, and RNA studies have demonstrated that this alteration results in abnormal splicing in the set of samples tested (Ambry internal data). This variant is considered to be rare based on population cohorts in the Genome Aggregation Database (gnomAD). Based on the supporting evidence, this variant is likely pathogenic for an increased risk of LZTR1-related schwannomatosis (SWN) and would be expected to cause autosomal recessive Noonan syndrome when present along with a second pathogenic or likely pathogenic variant on the other allele.

Literature cited by the submitters: PubMed 30957677.

NM_006767.4(LZTR1):c.2405A>G (p.Lys802Arg)

Gene: LZTR1 (leucine zipper like post translational regulator 1; plus strand). Cytogenetic location: 22q11.21.
Variant type: single nucleotide variant.
Coding change: c.2405A>G on transcript NM_006767.4 (MANE Select); coding-DNA position 2405, A replaced by G.
Protein change: p.Lys802Arg; replaces lysine 802 with arginine.
Molecular consequence: missense variant.
Genome position (GRCh38, 1-based): chr22:20,996,965, A>G. VCF-style: chr22-20996965-A-G. GRCh37 (hg19) VCF-style: chr22-21351254-A-G.
Other names: short protein forms K802R.
Identifiers: ClinVar variation 1790782 (VCV001790782.2), dbSNP rs2518626192, ClinGen allele CA410781286.